The following is an entry in ClinVar:

NM_001297.5(CNGB1):c.2086dup (p.Tyr696fs)

Gene: CNGB1 (cyclic nucleotide gated channel subunit beta 1; minus strand). Cytogenetic location: 16q21.
Variant type: Duplication.
Coding change: c.2086dup on transcript NM_001297.5 (MANE Select); coding-DNA position 2086, one base duplicated (T; older notation c.2086dupT).
Protein change: p.Tyr696fs; shifts the reading frame from tyrosine 696.
Molecular consequence: frameshift variant.
Genome position (GRCh38, 1-based): chr16:57,917,348, A duplicated on the plus strand (T on the coding strand, the reverse complement: CNGB1 is on the minus strand); the first of 2 consecutive A bases (chr16:57,917,348-57,917,349); duplicating either gives the same sequence. VCF-style (leftmost placement, unchanged base first): chr16-57917347-T-TA. GRCh37 (hg19) VCF-style: chr16-57951251-T-TA.
Other names: c.2068dup, p.Tyr690fs (NM_001286130.2); short protein forms Y690fs, Y696fs.
Identifiers: ClinVar variation 1431682 (VCV001431682.6), dbSNP rs2149364812, ClinGen allele CA2573152479.
Genomic context (GRCh38, chr16:57,917,347, plus strand): 5'-ACAAACTGCAGGCGTGTCTGGAACACGGTGATGTCCAGGAAGTAGATGAGGTCGCATAGG[T>TA]AATCCATCAGCAGCCAGTGGTGGATGTTGTCCGGGGTCTGGTAGGGGAAGGCCCAGCGCA-3'

ClinVar aggregate classification (germline): Pathogenic (1 of 4 stars; one submission).

Submission:

Labcorp Genetics (formerly Invitae), Labcorp
Classification: Pathogenic. Last evaluated: 2021-10-10. Review status: criteria provided, single submitter. Criteria: Invitae Variant Classification Sherloc (09022015). Collection method: clinical testing. Allele origin: germline.
Comment: This variant has not been reported in the literature in individuals affected with CNGB1-related conditions. This sequence change creates a premature translational stop signal (p.Tyr696Leufs*36) in the CNGB1 gene. It is expected to result in an absent or disrupted protein product. Loss-of-function variants in CNGB1 are known to be pathogenic (PMID: 15557452, 24043777). This variant is not present in population databases (ExAC no frequency). For these reasons, this variant has been classified as Pathogenic.

Literature cited by the submitters: PubMed 15557452; PubMed 24043777.